The following is an entry in ClinVar:

NM_000043.6(FAS):c.651+5G>T

Gene: FAS (Fas cell surface death receptor; plus strand). Cytogenetic location: 10q23.31.
Variant type: single nucleotide variant.
Coding change: c.651+5G>T on transcript NM_000043.6 (MANE Select); 5 bases into the intron after coding-DNA position 651, G replaced by T.
Molecular consequence: intron variant.
Genome position (GRCh38, 1-based): chr10:89,012,086, G>T. VCF-style: chr10-89012086-G-T. GRCh37 (hg19) VCF-style: chr10-90771843-G-T.
Other names: c.651+5G>T (NM_152872.4); c.569-1257G>T (NM_001320619.2); c.588+5G>T (NM_152871.4).
Identifiers: ClinVar variation 2136915 (VCV002136915.4), dbSNP rs2495187032, ClinGen allele CA2580082336.
Genomic context (GRCh38, chr10:89,012,086, plus strand): 5'-GCAGAAAGCACAGAAAGGAAAACCAAGGTTCTCATGAATCTCCAACTTTAAATCCTGTAG[G>T]TATTGAAATAGGTATCAGCTTTCCTTGAAAAGAAAAATAGAGAAATTAGTGATTTGGCTT-3'

ClinVar aggregate classification (germline): Likely pathogenic (1 of 4 stars; one submission).

Conditions:
Autoimmune lymphoproliferative syndrome type 1. Also called: AUTOIMMUNE LYMPHOPROLIFERATIVE SYNDROME, TYPE I, AUTOSOMAL DOMINANT. Identifiers: Orphanet 3261, MedGen C2717884, MONDO:0011158, OMIM 601859.

Submission:

Labcorp Genetics (formerly Invitae), Labcorp
Classification: Likely pathogenic for Autoimmune lymphoproliferative syndrome. Last evaluated: 2022-08-20. Review status: criteria provided, single submitter. Criteria: Invitae Variant Classification Sherloc (09022015). Collection method: clinical testing. Allele origin: germline.
Comment: In summary, the currently available evidence indicates that the variant is pathogenic, but additional data are needed to prove that conclusively. Therefore, this variant has been classified as Likely Pathogenic. Variants that disrupt the consensus splice site are a relatively common cause of aberrant splicing (PMID: 17576681, 9536098). Algorithms developed to predict the effect of sequence changes on RNA splicing suggest that this variant may disrupt the consensus splice site. This variant has been observed in individual(s) with clinical features of autoimmune lymphoproliferative syndrome (ALPS) (PMID: 22237435; Invitae). It has also been observed to segregate with disease in related individuals. This variant is not present in population databases (gnomAD no frequency). This sequence change falls in intron 7 of the FAS gene. It does not directly change the encoded amino acid sequence of the FAS protein. It affects a nucleotide within the consensus splice site.

Literature cited by the submitters: PubMed 17576681; PubMed 9536098; PubMed 22237435.